The following is an entry in ClinVar:

ClinVar aggregate classification (germline): Uncertain significance. Review status: criteria provided, multiple submitters, no conflicts (2 of 4 stars). 2 submissions from 2 submitters: Uncertain significance (2). Last evaluated 2023-09-19.

Allele frequency attached by ClinVar (database versions not stated): gnomAD exomes below 0.00001; TOPMed below 0.00001; gnomAD 0.00001.
gnomAD v4.1: 2 of 1,614,090 alleles (0.00012%); highest among the groups gnomAD compares: Non-Finnish European, 0.000085%; no homozygotes.

Submissions (2):

Labcorp Genetics (formerly Invitae), Labcorp
Classification: Uncertain significance. Last evaluated: 2023-09-19. Review status: criteria provided, single submitter. Criteria: Invitae Variant Classification Sherloc (09022015). Collection method: clinical testing. Allele origin: germline.
Comment: This sequence change replaces lysine, which is basic and polar, with arginine, which is basic and polar, at codon 189 of the PRPF6 protein (p.Lys189Arg). This variant is not present in population databases (gnomAD no frequency). This variant has not been reported in the literature in individuals affected with PRPF6-related conditions. ClinVar contains an entry for this variant (Variation ID: 1363551). Advanced modeling of protein sequence and biophysical properties (such as structural, functional, and spatial information, amino acid conservation, physicochemical variation, residue mobility, and thermodynamic stability) performed at Invitae indicates that this missense variant is not expected to disrupt PRPF6 protein function. In summary, the available evidence is currently insufficient to determine the role of this variant in disease. Therefore, it has been classified as a Variant of Uncertain Significance.

Ambry Genetics
Classification: Uncertain significance. Last evaluated: 2023-05-30. Review status: criteria provided, single submitter. Criteria: Ambry Variant Classification Scheme 2023. Collection method: clinical testing. Allele origin: germline.

NM_012469.4(PRPF6):c.566A>G (p.Lys189Arg)

Gene: PRPF6 (pre-mRNA processing factor 6; plus strand). Cytogenetic location: 20q13.33.
Variant type: single nucleotide variant.
Coding change: c.566A>G on transcript NM_012469.4 (MANE Select); coding-DNA position 566, A replaced by G.
Protein change: p.Lys189Arg; replaces lysine 189 with arginine.
Molecular consequence: missense variant.
Genome position (GRCh38, 1-based): chr20:63,995,043, A>G. VCF-style: chr20-63995043-A-G. GRCh37 (hg19) VCF-style: chr20-62626396-A-G.
Other names: c.566A>G (NM_012469.3); short protein forms K189R.
Identifiers: ClinVar variation 1363551 (VCV001363551.9), dbSNP rs941780187, ClinGen allele CA317524813.
Genomic context (GRCh38, chr20:63,995,043, plus strand): 5'-AACGTCAGCGGAACCCACGCTATGAGAAGCTGACCCCTGTTCCTGACAGTTTCTTTGCCA[A>G]ACATTTACAGACCGGAGAGAACCATACCTCAGTGGATCCCCGACAAACTGTGAGCTTCCA-3'
Protein context (NP_036601.2, residues 179-199): LTPVPDSFFA[Lys189Arg]HLQTGENHTS